The following is an entry in ClinVar:

ClinVar aggregate classification (germline): Conflicting classifications of pathogenicity. Review status: criteria provided, conflicting classifications (1 of 4 stars). 4 submissions from 4 submitters: Uncertain significance (2); Likely benign (1). 1 of the submissions does not count toward it. Last evaluated 2026-01-16.

Conditions:
Inborn genetic diseases. Identifiers: MedGen C0950123, MeSH D030342.
Congenital hyperammonemia, type I. Also called: Carbamoyl-phosphate synthase I deficiency; CPS I DEFICIENCY; Carbamoyl phosphate synthetase 1 deficiency; Hyperammonemia due to carbamoyl phosphate synthetase 1 deficiency; CPS 1 deficiency; Carbamyl phosphate synthetase (CPS) deficiency. Identifiers: Orphanet 147, MedGen C4082171, MONDO:0009376, OMIM 237300.

Allele frequency attached by ClinVar (database versions not stated): gnomAD exomes 0.00003 and 0.00010; ExAC 0.00013; 1000 Genomes Project 30x 0.00016; 1000 Genomes Project 0.00020; ESP Exome Variant Server 0.00023; gnomAD 0.00036 and 0.00043; TOPMed 0.00056.

Submissions (4):

Labcorp Genetics (formerly Invitae), Labcorp
Classification: Likely benign for Congenital hyperammonemia, type I. Last evaluated: 2026-01-16. Review status: criteria provided, single submitter. Criteria: Invitae Variant Classification Sherloc (09022015). Collection method: clinical testing. Allele origin: germline.

GeneDx
Classification: Uncertain significance. Last evaluated: 2021-12-02. Review status: criteria provided, single submitter. Criteria: GeneDx Variant Classification Process June 2021. Collection method: clinical testing. Allele origin: germline. Affected: yes.
Comment: Missense variants in this gene are often considered pathogenic (Stenson et al., 2014); In silico analysis supports that this missense variant has a deleterious effect on protein structure/function; Has not been previously published as pathogenic or benign to our knowledge

Ambry Genetics
Classification: Uncertain significance for Inborn genetic diseases. Last evaluated: 2021-07-14. Review status: criteria provided, single submitter. Criteria: Ambry Variant Classification Scheme 2023. Collection method: clinical testing. Allele origin: germline.

Natera, Inc.
Classification: Uncertain significance for Carbamoyl-phosphate synthase I deficiency. Last evaluated: 2020-02-05. Review status: no assertion criteria provided. Collection method: clinical testing. Allele origin: germline. Not counted in ClinVar's aggregate classification.

NM_001875.5(CPS1):c.154G>A (p.Asp52Asn)

Gene: CPS1 (carbamoyl-phosphate synthase 1; plus strand). Cytogenetic location: 2q34.
Variant type: single nucleotide variant.
Coding change: c.154G>A on transcript NM_001875.5 (MANE Select); coding-DNA position 154, G replaced by A.
Protein change: p.Asp52Asn; replaces aspartic acid 52 with asparagine.
Molecular consequence: missense variant. On other transcripts: non-coding transcript variant (1).
Genome position (GRCh38, 1-based): chr2:210,573,325, G>A. VCF-style: chr2-210573325-G-A. GRCh37 (hg19) VCF-style: chr2-211438049-G-A.
Other names: c.154G>A, p.Asp52Asn (NM_001122633.3, NM_001369257.1); c.187G>A, p.Asp63Asn (NM_001369256.1); short protein forms D52N, D63N.
Identifiers: ClinVar variation 966243 (VCV000966243.13), dbSNP rs141481633, ClinGen allele CA2085951.